The following is an entry in ClinVar:

ClinVar aggregate classification (germline): Uncertain significance (1 of 4 stars; one submission).

Submission:

GeneDx
Classification: Uncertain significance. Last evaluated: 2025-01-22. Review status: criteria provided, single submitter. Criteria: GeneDx Variant Classification Process June 2021. Collection method: clinical testing. Allele origin: germline. Affected: yes.
Comment: Not observed at significant frequency in large population cohorts (gnomAD); In silico analysis indicates that this missense variant does not alter protein structure/function; Has not been previously published as pathogenic or benign to our knowledge

NM_019066.5(MAGEL2):c.281C>A (p.Pro94Gln)

Gene: MAGEL2 (MAGE family member L2; minus strand). Cytogenetic location: 15q11.2.
Variant type: single nucleotide variant.
Coding change: c.281C>A on transcript NM_019066.5 (MANE Select); coding-DNA position 281, C replaced by A.
Protein change: p.Pro94Gln; replaces proline 94 with glutamine.
Molecular consequence: missense variant.
Genome position (GRCh38, 1-based): chr15:23,647,462, G>T on the plus strand (C>A on the coding strand, the complement: MAGEL2 is on the minus strand). VCF-style: chr15-23647462-G-T. GRCh37 (hg19) VCF-style: chr15-23892609-G-T.
Other names: short protein forms P94Q.
Identifiers: ClinVar variation 4071808 (VCV004071808.1).